The following is an entry in ClinVar:

ClinVar aggregate classification (germline): Uncertain significance (1 of 4 stars; one submission).

Submission:

Labcorp Genetics (formerly Invitae), Labcorp
Classification: Uncertain significance. Last evaluated: 2021-09-24. Review status: criteria provided, single submitter. Criteria: Invitae Variant Classification Sherloc (09022015). Collection method: clinical testing. Allele origin: germline.
Comment: This sequence change replaces proline with arginine at codon 227 of the CNNM2 protein (p.Pro227Arg). The proline residue is moderately conserved and there is a moderate physicochemical difference between proline and arginine. This variant is not present in population databases (ExAC no frequency). This variant has not been reported in the literature in individuals affected with CNNM2-related conditions. Algorithms developed to predict the effect of missense changes on protein structure and function (SIFT, PolyPhen-2, Align-GVGD) all suggest that this variant is likely to be tolerated. In summary, the available evidence is currently insufficient to determine the role of this variant in disease. Therefore, it has been classified as a Variant of Uncertain Significance.

NM_017649.5(CNNM2):c.680C>G (p.Pro227Arg)

Gene: CNNM2 (cyclin and CBS domain divalent metal cation transport mediator 2; plus strand). Cytogenetic location: 10q24.32.
Variant type: single nucleotide variant.
Coding change: c.680C>G on transcript NM_017649.5 (MANE Select); coding-DNA position 680, C replaced by G.
Protein change: p.Pro227Arg; replaces proline 227 with arginine.
Molecular consequence: missense variant.
Genome position (GRCh38, 1-based): chr10:102,919,160, C>G. VCF-style: chr10-102919160-C-G. GRCh37 (hg19) VCF-style: chr10-104678917-C-G.
Other names: c.680C>G, p.Pro227Arg (NM_199076.3, NM_199077.3); short protein forms P227R.
Identifiers: ClinVar variation 1477284 (VCV001477284.6), dbSNP rs2134149942, ClinGen allele CA377957216.
Genomic context (GRCh38, chr10:102,919,160, plus strand): 5'-CCACGGGTGGCGCCGTCGGGGGCAAGGGTGGCTCGGGGGTGGCCGGGCTCCCGCCGCCCC[C>G]GTGGGCCGAGACCACCTGGATTTACCACGACGGCGAGGACACCAAGATGATCGTAGGCGA-3'
Protein context (NP_060119.3, residues 217-237): GSGVAGLPPP[Pro227Arg]WAETTWIYHD